The following is an entry in ClinVar:

ClinVar aggregate classification (germline): Uncertain significance (1 of 4 stars; one submission).

Submission:

Dasa
Classification: Uncertain significance. Last evaluated: 2025-11-24. Review status: criteria provided, single submitter. Criteria: DASA Assertion Criteria. Collection method: clinical testing. Allele origin: germline.
Comment: NM_003128.3(SPTBN1):c.1874A>G (p.Gln625Arg) is a missense variant that results in the substitution of glutamine with arginine. This variant is absent from population databases. Computational prediction algorithms are consistent with a benign effect. The currently available literature and clinical evidence are not sufficient to establish a definitive association between this variant and the reported condition. Therefore, this variant is classified as a variant of uncertain significance.

NM_003128.3(SPTBN1):c.1874A>G (p.Gln625Arg)

Gene: SPTBN1 (spectrin beta, non-erythrocytic 1; plus strand). Cytogenetic location: 2p16.2.
Variant type: single nucleotide variant.
Coding change: c.1874A>G on transcript NM_003128.3 (MANE Select); coding-DNA position 1874, A replaced by G.
Protein change: p.Gln625Arg; replaces glutamine 625 with arginine.
Molecular consequence: missense variant.
Genome position (GRCh38, 1-based): chr2:54,629,008, A>G. VCF-style: chr2-54629008-A-G. GRCh37 (hg19) VCF-style: chr2-54856145-A-G.
Other names: c.1835A>G, p.Gln612Arg (NM_178313.3); short protein forms Q612R, Q625R.
Identifiers: ClinVar variation 4885255 (VCV004885255.2).
Genomic context (GRCh38, chr2:54,629,008, plus strand): 5'-ACCCCCAGGTGATCCGAGACCGCGTGGCCCACATGGAGTTCTGTTATCAAGAGCTTTGCC[A>G]GCTGGCGGCTGAGCGCAGGGCCCGTCTGGAAGAGTCCCGCCGCCTCTGGAAGTTCTTCTG-3'
Protein context (NP_003119.2, residues 615-635): HMEFCYQELC[Gln625Arg]LAAERRARLE